The following is an entry in ClinVar:

NM_000231.3(SGCG):c.727_728del (p.Cys243fs)

Gene: SGCG (sarcoglycan gamma; plus strand). Cytogenetic location: 13q12.12.
Variant type: Microsatellite.
Coding change: c.727_728del on transcript NM_000231.3 (MANE Select); coding-DNA positions 727 to 728, 2 bases deleted (TG; older notation c.727_728delTG).
Protein change: p.Cys243fs; shifts the reading frame from cysteine 243.
Molecular consequence: frameshift variant.
Genome position (GRCh38, 1-based): chr13:23,324,392-23,324,393, TG deleted; deleting any 2 consecutive bases within chr13:23,324,388-23,324,393 gives the same sequence; the c. name uses the placement nearest the transcript's 3' end. VCF-style (leftmost placement, unchanged base first): chr13-23324387-CTG-C. GRCh37 (hg19) VCF-style: chr13-23898526-CTG-C.
Other names: c.781_782del, p.Cys261fs (NM_001378244.1); c.727_728del, p.Cys243fs (NM_001378245.1, NM_001378246.1); c.727_728delTG (NM_000231.2); short protein forms C243fs, C261fs.
Identifiers: ClinVar variation 556967 (VCV000556967.10), dbSNP rs758078849, ClinGen allele CA6909838.
Genomic context (GRCh38, chr13:23,324,387, plus strand): 5'-GCCCTTCCTTAACTCTTCGTCTCTCATCTTCTCCCAACCAGCTTGTGCTTGATGCTGAAA[CTG>C]TGTGCTTACCCAAGCTGGTGCAGGGGACGTGGGGTCCCTCTGGCAGCTCACAGAGCCTCT-3'

ClinVar aggregate classification (germline): Pathogenic. Review status: criteria provided, single submitter (1 of 4 stars). 2 submissions from 2 submitters: Pathogenic (1). 1 of the submissions does not count toward it. Last evaluated 2023-06-20.

Conditions:
Autosomal recessive limb-girdle muscular dystrophy type 2C (LGMDR5). Also called: MUSCULAR DYSTROPHY, LIMB-GIRDLE, AUTOSOMAL RECESSIVE 5; MUSCULAR DYSTROPHY, DUCHENNE-LIKE. Identifiers: Orphanet 353, MedGen C0410173, MONDO:0009677, OMIM 253700. Disease mechanism: Affects gamma-sarcoglycan and also disrupts the integrity of the entire sarcoglycan complex..

Submissions (2):

Labcorp Genetics (formerly Invitae), Labcorp
Classification: Pathogenic for Autosomal recessive limb-girdle muscular dystrophy type 2C. Last evaluated: 2023-06-20. Review status: criteria provided, single submitter. Criteria: Invitae Variant Classification Sherloc (09022015). Collection method: clinical testing. Allele origin: germline.
Comment: This variant is present in population databases (rs758078849, gnomAD 0.007%). This sequence change results in a frameshift in the SGCG gene (p.Cys243Leufs*75). While this is not anticipated to result in nonsense mediated decay, it is expected to disrupt the last 49 amino acid(s) of the SGCG protein and extend the protein by 25 additional amino acid residues. This variant has not been reported in the literature in individuals affected with SGCG-related conditions. For these reasons, this variant has been classified as Pathogenic. This variant disrupts a region of the SGCG protein in which other variant(s) (p.Pro268Argfs*50) have been determined to be pathogenic (PMID: 8923014). This suggests that this is a clinically significant region of the protein, and that variants that disrupt it are likely to be disease-causing. ClinVar contains an entry for this variant (Variation ID: 556967).

Counsyl
Classification: Likely pathogenic for Autosomal recessive limb-girdle muscular dystrophy type 2C. Last evaluated: 2018-03-01. Review status: no assertion criteria provided. Collection method: clinical testing. Allele origin: unknown. Not counted in ClinVar's aggregate classification.

Literature cited by the submitters: PubMed 8923014 (cited by Labcorp Genetics (formerly Invitae), Labcorp).